The following is an entry in ClinVar:

NM_000548.5(TSC2):c.4570-3_4570-2del

Gene: TSC2 (TSC complex subunit 2; plus strand). Cytogenetic location: 16p13.3.
Variant type: Microsatellite.
Coding change: c.4570-3_4570-2del on transcript NM_000548.5 (MANE Select); 3 bases into the intron before coding-DNA position 4570 through the canonical splice acceptor site of the intron before coding-DNA position 4570, 2 bases deleted (CA; older notation c.4570-3_4570-2delCA).
Molecular consequence: splice acceptor variant.
Genome position (GRCh38, 1-based): chr16:2,085,227-2,085,228, CA deleted; deleting any 2 consecutive bases within chr16:2,085,225-2,085,228 gives the same sequence; the c. name uses the placement nearest the transcript's 3' end. VCF-style (leftmost placement, unchanged base first): chr16-2085224-CCA-C. GRCh37 (hg19) VCF-style: chr16-2135225-CCA-C.
Other names: c.4501-3_4501-2del (NM_001114382.3); c.4441-3_4441-2del (NM_021055.3, NM_001370405.1); c.4372-3_4372-2del (NM_001363528.2); c.4438-3_4438-2del (NM_001370404.1); c.4369-3_4369-2del (NM_001077183.3); c.4261-3_4261-2del (NM_001318827.2); c.3838-3_3838-2del (NM_001318831.2); c.4225-3_4225-2del (NM_001318829.2); and 2 more.
Identifiers: ClinVar variation 950080 (VCV000950080.12), dbSNP rs2090619495, ClinGen allele CA2202018993.

ClinVar aggregate classification (germline): Uncertain significance. Review status: criteria provided, multiple submitters, no conflicts (2 of 4 stars). 3 submissions from 3 submitters: Uncertain significance (3). Last evaluated 2025-04-15.

Conditions:
Lymphangiomyomatosis (LAM). Also called: Lymphangioleiomyomatosis, somatic; Lymphangioleiomyomatosis. Identifiers: Orphanet 538, MedGen C0751674, MONDO:0011705, OMIM 606690.
Isolated focal cortical dysplasia type II (FCORD2). Also called: Focal cortical dysplasia type II; CORTICAL DYSPLASIA OF TAYLOR. Identifiers: Orphanet 268994, MedGen C1846385, MONDO:0011818, OMIM 607341, HP:0032051.
Tuberous sclerosis 2 (TSC2). Identifiers: Orphanet 805, MedGen C1860707, MONDO:0013199, OMIM 613254.
Hereditary cancer-predisposing syndrome. Also called: Hereditary neoplastic syndrome; Tumor predisposition; Neoplastic Syndromes, Hereditary; Hereditary Cancer Syndrome. Identifiers: Orphanet 140162, MedGen C0027672, MeSH D009386, MONDO:0015356.

Submissions (3):

Ambry Genetics
Classification: Uncertain significance for Hereditary cancer-predisposing syndrome. Last evaluated: 2025-04-15. Review status: criteria provided, single submitter. Criteria: Ambry Variant Classification Scheme 2023. Collection method: clinical testing. Allele origin: germline.
Comment: The c.4570-3_4570-2delCA intronic variant, located in intron 34 of the TSC2 gene, results from a deletion of two nucleotides within intron 34 of the TSC2 gene. These nucleotide positions are well conserved in available vertebrate species. In silico splice site analysis predicts that this alteration may result in the creation or strengthening of a novel splice acceptor site; however, direct evidence is insufficient at this time (Ambry internal data). Based on the available evidence, the clinical significance of this variant remains unclear.

Fulgent Genetics
Classification: Uncertain significance for Lymphangiomyomatosis; Isolated focal cortical dysplasia type II; Tuberous sclerosis 2. Last evaluated: 2021-12-27. Review status: criteria provided, single submitter. Criteria: ACMG Guidelines, 2015. Collection method: clinical testing. Allele origin: unknown.

Labcorp Genetics (formerly Invitae), Labcorp
Classification: Uncertain significance for Tuberous sclerosis 2. Last evaluated: 2019-04-26. Review status: criteria provided, single submitter. Criteria: Invitae Variant Classification Sherloc (09022015). Collection method: clinical testing. Allele origin: germline.
Comment: In summary, the available evidence is currently insufficient to determine the role of this variant in disease. Therefore, it has been classified as a Variant of Uncertain Significance. Algorithms developed to predict the effect of sequence changes on RNA splicing suggest that this variant may disrupt the consensus splice site, but this prediction has not been confirmed by published transcriptional studies. This variant has not been reported in the literature in individuals with TSC2-related conditions. This variant is not present in population databases (ExAC no frequency). This sequence change falls in intron 35 of the TSC2 gene. It does not directly change the encoded amino acid sequence of the TSC2 protein.